The following is an entry in ClinVar:

NM_002382.5(MAX):c.405T>C (p.Asp135=)

Gene: MAX (MYC associated transcriptional regulator X; minus strand). Cytogenetic location: 14q23.3.
Variant type: single nucleotide variant.
Coding change: c.405T>C on transcript NM_002382.5 (MANE Select); coding-DNA position 405, T replaced by C.
Protein change: p.Asp135=; no amino-acid change (aspartic acid 135 retained).
Molecular consequence: synonymous variant. On other transcripts: 3 prime UTR variant (12), non-coding transcript variant (7), intron variant (2).
Genome position (GRCh38, 1-based): chr14:65,076,554, A>G on the plus strand (T>C on the coding strand, the complement: MAX is on the minus strand). VCF-style: chr14-65076554-A-G. GRCh37 (hg19) VCF-style: chr14-65543272-A-G.
Other names: c.216T>C, p.Asp72= (NM_001320415.2, NM_001407105.1, NM_001407106.1 and 1 more transcripts); c.405T>C, p.Asp135= (NM_001407094.1); c.378T>C, p.Asp126= (NM_001407095.1, NM_145112.3); c.*178T>C (NM_001407096.1, NM_001407099.1, NM_001407102.1 and 2 more transcripts); c.*194T>C (NM_001407097.1, NM_001407100.1, NM_001407101.1 and 4 more transcripts); c.297T>C, p.Asp99= (NM_001407098.1); c.204T>C, p.Asp68= (NM_001407111.1, NM_001407112.1); c.144+17154T>C (NM_001271069.2); and 2 more.
Identifiers: ClinVar variation 1100618 (VCV001100618.13), dbSNP rs1354621995, ClinGen allele CA390031519.

ClinVar aggregate classification (germline): Conflicting classifications of pathogenicity. Review status: criteria provided, conflicting classifications (1 of 4 stars). 3 submissions from 3 submitters: Uncertain significance (1); Likely benign (2). Last evaluated 2026-01-31.

Conditions:
Hereditary cancer-predisposing syndrome. Also called: Tumor predisposition; Neoplastic Syndromes, Hereditary; Hereditary Cancer Syndrome; Hereditary neoplastic syndrome. Identifiers: Orphanet 140162, MedGen C0027672, MeSH D009386, MONDO:0015356.
Hereditary pheochromocytoma and paraganglioma. Also called: Hereditary paragangliomas and pheochromocytomas; Hereditary pheochromocytoma-paraganglioma; Hereditary Paraganglioma-Pheochromocytoma Syndromes. Identifiers: Orphanet 29072, MedGen C4274332, MONDO:0017366.

Allele frequency attached by ClinVar (database versions not stated): gnomAD exomes below 0.00001.

Submissions (3):

Labcorp Genetics (formerly Invitae), Labcorp
Classification: Likely benign for Hereditary pheochromocytoma and paraganglioma. Last evaluated: 2026-01-31. Review status: criteria provided, single submitter. Criteria: Invitae Variant Classification Sherloc (09022015). Collection method: clinical testing. Allele origin: germline.

Quest Diagnostics Nichols Institute San Juan Capistrano
Classification: Uncertain significance. Last evaluated: 2024-04-04. Review status: criteria provided, single submitter. Criteria: Quest Diagnostics criteria. Collection method: clinical testing. Allele origin: unknown.
Comment: The MAX c.405T>C (p.Asp135=) synonymous variant has not been reported in individuals with MAX-related conditions in the published literature. The frequency of this variant in the general population, 0.0000066 (1/152058 chromosomes (Genome Aggregation Database)), is uninformative in the assessment of its pathogenicity. Analysis of this variant using software algorithms for the prediction of the effect of nucleotide changes on splicing yielded predictions that this variant does not affect MAX mRNA splicing. Based on the available information, we are unable to determine the clinical significance of this variant.

Ambry Genetics
Classification: Likely benign for Hereditary cancer-predisposing syndrome. Last evaluated: 2021-02-09. Review status: criteria provided, single submitter. Criteria: Ambry Variant Classification Scheme 2023. Collection method: clinical testing. Allele origin: germline.